The following is an entry in ClinVar:

ClinVar aggregate classification (germline): Uncertain significance (1 of 4 stars; one submission).

Allele frequency attached by ClinVar (database versions not stated): gnomAD below 0.00001 and 0.00001.
gnomAD v4.1: 10 of 1,609,174 alleles (0.00062%); highest among the groups gnomAD compares: South Asian, 0.01%; 1 homozygote.

Submission:

Labcorp Genetics (formerly Invitae), Labcorp
Classification: Uncertain significance. Last evaluated: 2019-10-24. Review status: criteria provided, single submitter. Criteria: Invitae Variant Classification Sherloc (09022015). Collection method: clinical testing. Allele origin: germline.
Comment: In summary, the available evidence is currently insufficient to determine the role of this variant in disease. Therefore, it has been classified as a Variant of Uncertain Significance. Algorithms developed to predict the effect of missense changes on protein structure and function (SIFT, PolyPhen-2, Align-GVGD) all suggest that this variant is likely to be tolerated, but these predictions have not been confirmed by published functional studies and their clinical significance is uncertain. This variant has not been reported in the literature in individuals with CWC27-related conditions. This variant is not present in population databases (ExAC no frequency). This sequence change replaces alanine with threonine at codon 330 of the CWC27 protein (p.Ala330Thr). The alanine residue is moderately conserved and there is a small physicochemical difference between alanine and threonine.

NM_005869.4(CWC27):c.988G>A (p.Ala330Thr)

Gene: CWC27 (CWC27 spliceosome associated cyclophilin; plus strand). Cytogenetic location: 5q12.3.
Variant type: single nucleotide variant.
Coding change: c.988G>A on transcript NM_005869.4 (MANE Select); coding-DNA position 988, G replaced by A.
Protein change: p.Ala330Thr; replaces alanine 330 with threonine.
Molecular consequence: missense variant.
Genome position (GRCh38, 1-based): chr5:64,885,492, G>A. VCF-style: chr5-64885492-G-A. GRCh37 (hg19) VCF-style: chr5-64181319-G-A.
Other names: c.988G>A, p.Ala330Thr (NM_001297644.1, NM_001364478.1); short protein forms A330T.
Identifiers: ClinVar variation 955811 (VCV000955811.7), dbSNP rs767839264, ClinGen allele CA359961377.